The following is an entry in ClinVar:

ClinVar aggregate classification (germline): Pathogenic. Review status: criteria provided, multiple submitters, no conflicts (2 of 4 stars). 9 submissions from 9 submitters: Pathogenic (7). 2 of the submissions do not count toward it. Last evaluated 2025-09-15.

Conditions:
Hereditary insensitivity to pain with anhidrosis (CIPA). Also called: INSENSITIVITY TO PAIN, CONGENITAL, WITH ANHIDROSIS; FAMILIAL DYSAUTONOMIA, TYPE II; NEUROPATHY, CONGENITAL SENSORY, WITH ANHIDROSIS; hereditary sensory and autonomic neuropathy type 4; HSAN Type IV; NTRK1 Congenital Insensitivity to Pain with Anhidrosis. Identifiers: Orphanet 642, MedGen C0020074, MONDO:0009746, OMIM 256800.

Allele frequency attached by ClinVar (database versions not stated): gnomAD exomes below 0.00001; gnomAD 0.00004.

Submissions (9):

3billion
Classification: Pathogenic for Hereditary insensitivity to pain with anhidrosis. Last evaluated: 2025-09-15. Review status: criteria provided, single submitter. Criteria: ACMG Guidelines, 2015. Collection method: clinical testing. Allele origin: germline. Affected: yes.
Comment: The variant is observed at an extremely low frequency in the gnomAD v4.1.0 dataset (total allele frequency: <0.001%). Predicted Consequence/Location: Frameshift: predicted to result in a loss or disruption of normal protein function through nonsense-mediated decay (NMD) or protein truncation. Multiple pathogenic variants are reported downstream of the variant. The variant has been reported at least twice as pathogenic with clinical assertions and evidence for the classification (ClinVar ID: VCV000021306 /PMID: 10861667 /3billion dataset). Therefore, this variant is classified as Pathogenic according to the recommendation of ACMG/AMP guideline.

Natera, Inc.
Classification: Pathogenic for Hereditary insensitivity to pain with anhidrosis. Last evaluated: 2025-09-11. Review status: criteria provided, single submitter. Criteria: Natera Variant Classification Schema (03/2026). Collection method: clinical testing. Allele origin: germline.
Comment: The c.1842_1843insT variant in NTRK1 is a frameshift variant predicted to shift the reading frame beginning at codon 615 and leads to a stop codon 12 codons downstream. This variant is expected to result in nonsense mediated decay, truncation, or a dysfunctional protein product. This variant is rare in the general population with a frequency below the threshold expected for the associated phenotype(s). This variant has been observed in one or more individuals affected with the associated recessive disease, as either homozygous or compound heterozygous with a second variant (PMID: 32056211, 31841741). Given the available evidence, this variant is classified as Pathogenic.

Institute of Human Genetics, University of Leipzig Medical Center
Classification: Pathogenic for Hereditary insensitivity to pain with anhidrosis. Last evaluated: 2023-05-03. Review status: criteria provided, single submitter. Criteria: ACMG Guidelines, 2015. Collection method: clinical testing. Allele origin: unknown. Inheritance: Autosomal recessive inheritance. Affected: yes.
Comment: Criteria applied: PVS1,PM3_STR,PM2_SUP

Genome-Nilou Lab
Classification: Pathogenic for Hereditary insensitivity to pain with anhidrosis. Last evaluated: 2023-04-11. Review status: criteria provided, single submitter. Criteria: ACMG Guidelines, 2015. Collection method: clinical testing. Allele origin: germline. Affected: no.

GeneDx
Classification: Pathogenic. Last evaluated: 2022-11-03. Review status: criteria provided, single submitter. Criteria: GeneDx Variant Classification Process June 2021. Collection method: clinical testing. Allele origin: germline. Affected: yes.
Comment: Frameshift variant predicted to result in protein truncation or nonsense mediated decay in a gene for which loss-of-function is a known mechanism of disease; Not observed at significant frequency in large population cohorts (gnomAD); This variant is associated with the following publications: (PMID: 34405299, 28328124, 18955016, 10861667, 31841741, 32056211, 20301726, 34732685)

Labcorp Genetics (formerly Invitae), Labcorp
Classification: Pathogenic for Hereditary insensitivity to pain with anhidrosis. Last evaluated: 2021-09-01. Review status: criteria provided, single submitter. Criteria: Invitae Variant Classification Sherloc (09022015). Collection method: clinical testing. Allele origin: germline.

Baylor Genetics
Classification: Pathogenic for Hereditary insensitivity to pain with anhidrosis. Last evaluated: 2019-09-05. Review status: criteria provided, single submitter. Criteria: ACMG Guidelines, 2015. Collection method: clinical testing. Allele origin: unknown. Affected: yes.
Comment: This variant was determined to be pathogenic according to ACMG Guidelines, 2015 [PMID:25741868]. This variant has been previously reported as disease-causing in multiple individuals [PMID: 18955016, 10861667, 28328124, ClinVar ID: 21306]

OMIM
Classification: Pathogenic for INSENSITIVITY TO PAIN, CONGENITAL, WITH ANHIDROSIS. Last evaluated: 2000-06-19. Review status: no assertion criteria provided. Collection method: literature only. Allele origin: germline. Not counted in ClinVar's aggregate classification.

GeneReviews
No classification provided. Condition: Hereditary insensitivity to pain with anhidrosis. Review status: no classification provided. Collection method: literature only. Allele origin: germline. Not counted in ClinVar's aggregate classification.
Comment: Founder variant in Israeli Bedouins

Literature cited by the submitters: PubMed 10861667 (cited by 4 submitters); PubMed 32056211 (cited by Natera, Inc.); PubMed 31841741 (cited by Natera, Inc.); PubMed 18955016 (cited by Baylor Genetics); PubMed 28328124 (cited by Baylor Genetics); NCBI Bookshelf NBK1769 (cited by GeneReviews).

NM_002529.4(NTRK1):c.1860_1861insT (p.Pro621fs)

Gene: NTRK1 (neurotrophic receptor tyrosine kinase 1; plus strand). Cytogenetic location: 1q23.1.
Variant type: Insertion.
Coding change: c.1860_1861insT on transcript NM_002529.4 (MANE Select); coding-DNA positions 1860 to 1861, T inserted.
Protein change: p.Pro621fs; shifts the reading frame from proline 621.
Molecular consequence: frameshift variant.
Genome position: GRCh38 VCF-style: chr1-156879176-C-CT. GRCh37 (hg19) VCF-style: chr1-156848968-C-CT.
Other names: c.1752_1753insT, p.Pro585fs (NM_001007792.1); c.1842_1843insT, p.Pro615fs (NM_001012331.2); short protein forms P585fs, P621fs, P615fs.
Identifiers: ClinVar variation 21306 (VCV000021306.18), dbSNP rs80356676, ClinGen allele CA341876.